The following is an entry in ClinVar:

NM_000092.5:c.(1029+1_1030-1)_(1696+1_1697-1)dup

Gene: COL4A4 (collagen type IV alpha 4 chain; minus strand).
Variant type: Duplication.
Other names: c.(1029+1_1030-1)_(1696+1_1697-1)dup (NM_000092.5).
Identifiers: ClinVar variation 4884703 (VCV004884703.1).

ClinVar aggregate classification (germline): Pathogenic (1 of 4 stars; one submission).

Conditions:
Autosomal dominant Alport syndrome (ATS3A). Also called: Alport syndrome dominant type; Renal failure and sensorineural hearing loss; ALPORT SYNDROME 3A, AUTOSOMAL DOMINANT. Identifiers: Orphanet 63, Orphanet 88918, MedGen C5882663, MONDO:0007086, OMIM 104200.
Hematuria, benign familial, 1 (BFH1). Also called: THIN MEMBRANE NEPHROPATHY. Identifiers: MedGen CN376803, MONDO:0007709, OMIM 141200.

Submission:

Centre de Génétique Humaine, Institut de Pathologie Et de Génétique
Classification: Pathogenic for Hematuria, benign familial, 1; Autosomal dominant Alport syndrome. Last evaluated: 2026-04-10. Review status: criteria provided, single submitter. Criteria: ACMG Guidelines, 2015. Collection method: clinical testing. Allele origin: germline, maternal, paternal. Inheritance: Autosomal dominant inheritance. Affected: yes. Observed: 16 variant alleles, 16 heterozygotes. Clinical features observed: Microscopic hematuria (HP:0002907), Proteinuria (HP:0000093), Sensorineural hearing loss disorder (HP:0000407), Lenticonus (HP:0001142), Stage 2 chronic kidney disease (HP:0012624), Stage 3 chronic kidney disease (HP:0012625), Multiple renal cysts (HP:0005562), Focal segmental glomerulosclerosis (HP:0000097), Hypertensive disorder (HP:0000822), Stage 5 chronic kidney disease (HP:0003774), Moderate albuminuria (HP:0012594). Segregation with disease observed.
Comment: Intragenic duplication of coding region - collagenous domain (6 exons) (2E: 0.9). Detected in 11 families in our lab; segregation with phenotype observed in 5 families (4L:0.45; 5D:0.25)